The following is an entry in ClinVar:

NM_005026.5(PIK3CD):c.2489G>A (p.Arg830His)

Gene: PIK3CD (phosphatidylinositol-4,5-bisphosphate 3-kinase catalytic subunit delta; plus strand). Cytogenetic location: 1p36.22.
Variant type: single nucleotide variant.
Coding change: c.2489G>A on transcript NM_005026.5 (MANE Select); coding-DNA position 2489, G replaced by A.
Protein change: p.Arg830His; replaces arginine 830 with histidine.
Molecular consequence: missense variant.
Genome position (GRCh38, 1-based): chr1:9,723,187, G>A. VCF-style: chr1-9723187-G-A. GRCh37 (hg19) VCF-style: chr1-9783245-G-A.
Other names: c.2489G>A (NM_005026.3); c.2486G>A, p.Arg829His (NM_001350234.2); c.2402G>A, p.Arg801His (NM_001350235.1); short protein forms R801H, R829H, R830H.
Identifiers: ClinVar variation 1044679 (VCV001044679.11), dbSNP rs756497515, ClinGen allele CA577559.

ClinVar aggregate classification (germline): Conflicting classifications of pathogenicity. Review status: criteria provided, conflicting classifications (1 of 4 stars). 3 submissions from 3 submitters: Uncertain significance (1); Likely benign (2). Last evaluated 2024-06-17.

Conditions:
Immunodeficiency 14 (IMD14A). Also called: ACTIVATED PI3K-DELTA SYNDROME 1; IMMUNODEFICIENCY 14A WITH LYMPHOPROLIFERATION, AUTOSOMAL DOMINANT; Activated PI3K Delta Syndrome Type 1 (APDS1); p110-DELTA-ACTIVATING MUTATION CAUSING SENESCENT T CELLS, LYMPHADENOPATHY, AND IMMUNODEFICIENCY. Identifiers: Orphanet 397596, Orphanet 693661, MedGen C5907821, MONDO:0014222, OMIM 615513.
Inborn genetic diseases. Identifiers: MedGen C0950123, MeSH D030342.

Allele frequency attached by ClinVar (database versions not stated): gnomAD 0.00002; TOPMed 0.00002; gnomAD exomes 0.00003 and 0.00005; ExAC 0.00007.
gnomAD v4.1: 51 of 1,613,696 alleles (0.0032%); highest among the groups gnomAD compares: South Asian, 0.014%; no homozygotes.

Submissions (3):

Ambry Genetics
Classification: Likely benign for Inborn genetic diseases. Last evaluated: 2024-06-17. Review status: criteria provided, single submitter. Criteria: Ambry Variant Classification Scheme 2023. Collection method: clinical testing. Allele origin: germline.

Labcorp Genetics (formerly Invitae), Labcorp
Classification: Uncertain significance for Activated PI3K-delta syndrome. Last evaluated: 2024-05-02. Review status: criteria provided, single submitter. Criteria: Invitae Variant Classification Sherloc (09022015). Collection method: clinical testing. Allele origin: germline.
Comment: This sequence change replaces arginine, which is basic and polar, with histidine, which is basic and polar, at codon 830 of the PIK3CD protein (p.Arg830His). This variant is present in population databases (rs756497515, gnomAD 0.01%). This variant has not been reported in the literature in individuals affected with PIK3CD-related conditions. ClinVar contains an entry for this variant (Variation ID: 1044679). Advanced modeling of protein sequence and biophysical properties (such as structural, functional, and spatial information, amino acid conservation, physicochemical variation, residue mobility, and thermodynamic stability) performed at Invitae indicates that this missense variant is not expected to disrupt PIK3CD protein function with a negative predictive value of 80%. In summary, the available evidence is currently insufficient to determine the role of this variant in disease. Therefore, it has been classified as a Variant of Uncertain Significance.

Blueprint Genetics
Classification: Likely benign. Last evaluated: 2024-02-08. Review status: criteria provided, single submitter. Criteria: ACMG Guidelines, 2015. Collection method: clinical testing. Allele origin: germline.